The following is an entry in ClinVar:

NM_003190.5(TAPBP):c.1252C>T (p.Leu418=)

Gene: TAPBP (TAP binding protein; minus strand). Cytogenetic location: 6p21.32.
Variant type: single nucleotide variant.
Coding change: c.1252C>T on transcript NM_003190.5 (MANE Select); coding-DNA position 1252, C replaced by T.
Protein change: p.Leu418=; no amino-acid change (leucine 418 retained).
Molecular consequence: synonymous variant.
Genome position (GRCh38, 1-based): chr6:33,304,176, G>A on the plus strand (C>T on the coding strand, the complement: TAPBP is on the minus strand). VCF-style: chr6-33304176-G-A. GRCh37 (hg19) VCF-style: chr6-33271953-G-A.
Other names: c.1252C>T, p.Leu418= (NM_172208.3); c.991C>T, p.Leu331= (NM_172209.3).
Identifiers: ClinVar variation 466397 (VCV000466397.14), dbSNP rs144706539, ClinGen allele CA3755677.
Genomic context (GRCh38, chr6:33,304,176, plus strand): 5'-GCTGACACTTACCAGCCCAGCCCAGTGCCTTGAAGAGCCCAAGCAGAAGAAAGGCAGACA[G>A]GAAAAGGCCTACGCTGTCCTCAAGGGAGGGCCCTGAAAGACCTGGCAGGCAGAAGGGGTG-3'
Protein context (NP_003181.3, residues 408-428): PSLEDSVGLF[Leu418=]SAFLLLGLFK

ClinVar aggregate classification (germline): Benign. Review status: criteria provided, multiple submitters, no conflicts (2 of 4 stars). 3 submissions from 3 submitters: Benign (2). 1 of the submissions does not count toward it. Last evaluated 2026-02-01.

Conditions:
MHC class I deficiency. Identifiers: Orphanet 34592, MedGen C6024714, MONDO:0011476.
TAPBP-related disorder. Also called: TAPBP-related condition.

Allele frequency attached by ClinVar (database versions not stated): 1000 Genomes Project 0.00839; TOPMed 0.01445; 1000 Genomes Project 30x 0.00874; gnomAD exomes 0.01239 and 0.01647; gnomAD 0.01254 and 0.01237; ExAC 0.01285; ESP Exome Variant Server 0.01407.

Submissions (3):

Labcorp Genetics (formerly Invitae), Labcorp
Classification: Benign for MHC class I deficiency 1. Last evaluated: 2026-02-01. Review status: criteria provided, single submitter. Criteria: Invitae Variant Classification Sherloc (09022015). Collection method: clinical testing. Allele origin: germline.

Women's Health and Genetics/Laboratory Corporation of America, LabCorp
Classification: Benign. Last evaluated: 2026-01-21. Review status: criteria provided, single submitter. Criteria: LabCorp Variant Classification Summary - May 2015. Collection method: clinical testing. Allele origin: germline.

PreventionGenetics, part of Exact Sciences
Classification: Benign for TAPBP-related condition. Last evaluated: 2019-07-01. Review status: no assertion criteria provided. Collection method: clinical testing. Allele origin: germline. Not counted in ClinVar's aggregate classification.
Comment: This variant is classified as benign based on ACMG/AMP sequence variant interpretation guidelines (Richards et al. 2015 PMID: 25741868, with internal and published modifications).